The following is an entry in ClinVar:

ClinVar aggregate classification (germline): Conflicting classifications of pathogenicity. Review status: criteria provided, conflicting classifications (1 of 4 stars). 4 submissions from 3 submitters: Pathogenic (1); Uncertain significance (1). 2 of the submissions do not count toward it. Last evaluated 2024-06-17.

Conditions:
ABCA4-related disorder. Also called: ABCA4-related disorders; ABCA4-related condition. Identifiers: MedGen CN239167.

Submissions (4):

Blueprint Genetics
Classification: Pathogenic for ABCA4-related disorders. Last evaluated: 2024-06-17. Review status: criteria provided, single submitter. Criteria: ACMG Guidelines, 2015. Collection method: clinical testing. Allele origin: germline. Affected: yes. Observed: 5 variant alleles.

Labcorp Genetics (formerly Invitae), Labcorp
Classification: Uncertain significance. Last evaluated: 2022-01-22. Review status: criteria provided, single submitter. Criteria: Invitae Variant Classification Sherloc (09022015). Collection method: clinical testing. Allele origin: germline.
Comment: In summary, the available evidence is currently insufficient to determine the role of this variant in disease. Therefore, it has been classified as a Variant of Uncertain Significance. This variant, c.5281_5289del, results in the deletion of 3 amino acid(s) of the ABCA4 protein (p.Pro1761_Leu1763del), but otherwise preserves the integrity of the reading frame. This variant is present in population databases (rs62646874, gnomAD 0.0009%). This variant has been observed in individual(s) with Stargardt disease (PMID: 9973280). This variant is also known as 5289del9, PAL1761del. ClinVar contains an entry for this variant (Variation ID: 99364). Experimental studies and prediction algorithms are not available or were not evaluated, and the functional significance of this variant is currently unknown.

Retina International
No classification provided. Review status: no classification provided. Collection method: not provided. Allele origin: not provided. Not counted in ClinVar's aggregate classification.

Retina International
No classification provided. Review status: flagged submission. Collection method: not provided. Allele origin: unknown. Not counted in ClinVar's aggregate classification.
ClinVar note: Reason: This record appears to be redundant with a more recent record from the same submitter.
ClinVar note: Notes: SCV000117856 appears to be redundant with SCV000117857.

Literature cited by the submitters: PubMed 9973280 (cited by Labcorp Genetics (formerly Invitae), Labcorp).

NM_000350.3(ABCA4):c.5281_5289del (p.Pro1761_Leu1763del)

Gene: ABCA4 (ATP binding cassette subfamily A member 4; minus strand). Cytogenetic location: 1p22.1.
Variant type: Deletion.
Coding change: c.5281_5289del on transcript NM_000350.3 (MANE Select); coding-DNA positions 5281 to 5289, 9 bases deleted (CCTGCCCTT; older notation c.5281_5289delCCTGCCCTT).
Protein change: p.Pro1761_Leu1763del.
Molecular consequence: inframe deletion. On other transcripts: inframe indel (1).
Genome position (GRCh38, 1-based): chr1:94,015,762-94,015,770, AAGGGCAGG deleted on the plus strand (CCTGCCCTT on the coding strand, the reverse complement: ABCA4 is on the minus strand); deleting any 9 consecutive bases within chr1:94,015,762-94,015,774 gives the same sequence; the c. name uses the placement nearest the transcript's 3' end. VCF-style (leftmost placement, unchanged base first): chr1-94015761-CAAGGGCAGG-C. GRCh37 (hg19) VCF-style: chr1-94481317-CAAGGGCAGG-C.
Other names: c.5055_5063delCCTTCCTGC, p.Pro1687_Leu1689del (NM_001425324.1).
Identifiers: ClinVar variation 99364 (VCV000099364.12), dbSNP rs61753027, ClinGen allele CA227293.